The following is an entry in ClinVar:

NM_001171613.2(PREPL):c.814C>G (p.Leu272Val)

Gene: PREPL (prolyl endopeptidase like; minus strand). Cytogenetic location: 2p21.
Variant type: single nucleotide variant.
Coding change: c.814C>G on transcript NM_001171613.2 (MANE Select); coding-DNA position 814, C replaced by G.
Protein change: p.Leu272Val; replaces leucine 272 with valine.
Molecular consequence: missense variant. On other transcripts: intron variant (1).
Genome position (GRCh38, 1-based): chr2:44,338,425, G>C on the plus strand (C>G on the coding strand, the complement: PREPL is on the minus strand). VCF-style: chr2-44338425-G-C. GRCh37 (hg19) VCF-style: chr2-44565564-G-C.
Other names: c.1081C>G, p.Leu361Val (NM_001042386.2, NM_001171603.1, NM_001171606.2 and 3 more transcripts); c.814C>G, p.Leu272Val (NM_001171617.1, NM_001374277.1); c.969+722C>G (NM_001042385.2); short protein forms L272V, L361V.
Identifiers: ClinVar variation 1520893 (VCV001520893.8), dbSNP rs1209850032, ClinGen allele CA346691515.

ClinVar aggregate classification (germline): Uncertain significance (1 of 4 stars; one submission).

Conditions:
Myasthenic syndrome, congenital, 22 (CMS22). Also called: PREPL DEFICIENCY. Identifiers: MedGen C4479088, MONDO:0044299, OMIM 616224.

Allele frequency attached by ClinVar (database versions not stated): gnomAD exomes below 0.00001; TOPMed below 0.00001; gnomAD 0.00001.
gnomAD v4.1: 5 of 1,613,268 alleles (0.00031%); highest among the groups gnomAD compares: Non-Finnish European, 0.00042%; no homozygotes.

Submission:

Labcorp Genetics (formerly Invitae), Labcorp
Classification: Uncertain significance for Myasthenic syndrome, congenital, 22. Last evaluated: 2024-02-17. Review status: criteria provided, single submitter. Criteria: Invitae Variant Classification Sherloc (09022015). Collection method: clinical testing. Allele origin: germline.
Comment: This sequence change replaces leucine, which is neutral and non-polar, with valine, which is neutral and non-polar, at codon 361 of the PREPL protein (p.Leu361Val). This variant is not present in population databases (gnomAD no frequency). This variant has not been reported in the literature in individuals affected with PREPL-related conditions. ClinVar contains an entry for this variant (Variation ID: 1520893). Advanced modeling of protein sequence and biophysical properties (such as structural, functional, and spatial information, amino acid conservation, physicochemical variation, residue mobility, and thermodynamic stability) performed at Invitae indicates that this missense variant is not expected to disrupt PREPL protein function with a negative predictive value of 80%. In summary, the available evidence is currently insufficient to determine the role of this variant in disease. Therefore, it has been classified as a Variant of Uncertain Significance.